The following is an entry in ClinVar:

ClinVar aggregate classification (germline): Likely pathogenic (1 of 4 stars; one submission).

Submission:

GeneDx
Classification: Likely pathogenic. Last evaluated: 2017-09-14. Review status: criteria provided, single submitter. Criteria: GeneDx Variant Classification (06012015). Collection method: clinical testing. Allele origin: germline. Affected: yes.
Comment: The S239P variant in the STX1B gene has not been reported previously as a pathogenic variant, nor as a benign variant, to our knowledge. The S239P variant is not observed in large population cohorts (Lek et al., 2016). The S239P variant is a non-conservative amino acid substitution, which is likely to impact secondary protein structure as these residues differ in polarity, charge, size and/or other properties. This substitution occurs at a position that is conserved across species. In silico analysis is inconsistent in its predictions as to whether or not the variant is damaging to the protein structure/function. We interpret S239P as a likely pathogenic variant,

NM_052874.5(STX1B):c.715T>C (p.Ser239Pro)

Gene: STX1B (syntaxin 1B; minus strand). Cytogenetic location: 16p11.2.
Variant type: single nucleotide variant.
Coding change: c.715T>C on transcript NM_052874.5 (MANE Select); coding-DNA position 715, T replaced by C.
Protein change: p.Ser239Pro; replaces serine 239 with proline.
Molecular consequence: missense variant.
Genome position (GRCh38, 1-based): chr16:30,993,201, A>G on the plus strand (T>C on the coding strand, the complement: STX1B is on the minus strand). VCF-style: chr16-30993201-A-G. GRCh37 (hg19) VCF-style: chr16-31004522-A-G.
Other names: short protein forms S239P.
Identifiers: ClinVar variation 451862 (VCV000451862.2), dbSNP rs1555493906, ClinGen allele CA395646865.